The following is an entry in ClinVar:

NM_001558.4(IL10RA):c.1183A>G (p.Ser395Gly)

Gene: IL10RA (interleukin 10 receptor subunit alpha; plus strand). Cytogenetic location: 11q23.3.
Variant type: single nucleotide variant.
Coding change: c.1183A>G on transcript NM_001558.4 (MANE Select); coding-DNA position 1183, A replaced by G.
Protein change: p.Ser395Gly; replaces serine 395 with glycine.
Molecular consequence: missense variant. On other transcripts: non-coding transcript variant (1).
Genome position (GRCh38, 1-based): chr11:117,999,087, A>G. VCF-style: chr11-117999087-A-G. GRCh37 (hg19) VCF-style: chr11-117869802-A-G.
Other names: short protein forms S395G.
Identifiers: ClinVar variation 1909414 (VCV001909414.2), dbSNP rs1286147277, ClinGen allele CA382780125.

ClinVar aggregate classification (germline): Uncertain significance (1 of 4 stars; one submission).

Conditions:
Inflammatory bowel disease 28. Also called: Inflammatory bowel disease 28, early onset, autosomal recessive. Identifiers: Orphanet 238569, MedGen C2751053, MONDO:0013153, OMIM 613148.

Allele frequency attached by ClinVar (database versions not stated): gnomAD exomes below 0.00001; gnomAD 0.00001; TOPMed 0.00001.

Submission:

Labcorp Genetics (formerly Invitae), Labcorp
Classification: Uncertain significance for Inflammatory bowel disease 28. Last evaluated: 2022-05-15. Review status: criteria provided, single submitter. Criteria: Invitae Variant Classification Sherloc (09022015). Collection method: clinical testing. Allele origin: germline.
Comment: This sequence change replaces serine, which is neutral and polar, with glycine, which is neutral and non-polar, at codon 395 of the IL10RA protein (p.Ser395Gly). This variant is not present in population databases (gnomAD no frequency). This variant has not been reported in the literature in individuals affected with IL10RA-related conditions. Algorithms developed to predict the effect of missense changes on protein structure and function output the following: SIFT: "Tolerated"; PolyPhen-2: "Benign"; Align-GVGD: "Class C0". The glycine amino acid residue is found in multiple mammalian species, which suggests that this missense change does not adversely affect protein function. In summary, the available evidence is currently insufficient to determine the role of this variant in disease. Therefore, it has been classified as a Variant of Uncertain Significance.